The following is an entry in ClinVar:

ClinVar aggregate classification (germline): Pathogenic. Review status: criteria provided, single submitter (1 of 4 stars). 2 submissions from 2 submitters: Pathogenic (1). 1 of the submissions does not count toward it. Last evaluated 2024-07-08.

Conditions:
XK-related disorder. Also called: XK-related condition.

Submissions (2):

Labcorp Genetics (formerly Invitae), Labcorp
Classification: Pathogenic. Last evaluated: 2024-07-08. Review status: criteria provided, single submitter. Criteria: Invitae Variant Classification Sherloc (09022015). Collection method: clinical testing. Allele origin: germline.
Comment: This sequence change creates a premature translational stop signal (p.Gln92*) in the XK gene. It is expected to result in an absent or disrupted protein product. Loss-of-function variants in XK are known to be pathogenic (PMID: 11761473). This variant is not present in population databases (gnomAD no frequency). This variant has not been reported in the literature in individuals affected with XK-related conditions. For these reasons, this variant has been classified as Pathogenic.

PreventionGenetics, part of Exact Sciences
Classification: Likely pathogenic for XK-related condition. Last evaluated: 2023-12-06. Review status: no assertion criteria provided. Collection method: clinical testing. Allele origin: germline. Not counted in ClinVar's aggregate classification.
Comment: The XK c.274C>T variant is predicted to result in premature protein termination (p.Gln92*). To our knowledge, this variant has not been reported in the literature or in a large population database, indicating this variant is rare. Nonsense variants in XK are expected to be pathogenic. This variant is interpreted as likely pathogenic.

Literature cited by the submitters: PubMed 11761473 (cited by Labcorp Genetics (formerly Invitae), Labcorp).

NM_021083.4(XK):c.274C>T (p.Gln92Ter)

Gene: XK (X-linked Kx blood group antigen, Kell and VPS13A binding protein; plus strand). Cytogenetic location: Xp21.1.
Variant type: single nucleotide variant.
Coding change: c.274C>T on transcript NM_021083.4 (MANE Select); coding-DNA position 274, C replaced by T.
Protein change: p.Gln92Ter; replaces glutamine 92 with a stop codon.
Molecular consequence: nonsense.
Genome position (GRCh38, 1-based): chrX:37,694,314, C>T. VCF-style: chrX-37694314-C-T. GRCh37 (hg19) VCF-style: chrX-37553567-C-T.
Other names: short protein forms Q92*.
Identifiers: ClinVar variation 3032247 (VCV003032247.4), dbSNP rs868990544, ClinGen allele CA412969428.
Genomic context (GRCh38, chrX:37,694,314, plus strand): 5'-CTAATTATTATGATTTCCTGATTTGTTTTCAGGTGTTTTGAAGTCTTCTGCATCTACTTT[C>T]AGTCAGGCAACAATGAAGAGCCTTATGTCAGTATCACCAAGAAGAGGCAAATGCCAAAAA-3'